The following is an entry in ClinVar:

ClinVar aggregate classification (germline): Pathogenic (1 of 4 stars; one submission).

Conditions:
Long QT syndrome (LQTS). Identifiers: MedGen C0023976, MeSH D008133, MONDO:0002442. Disease mechanism: loss of function. Inheritance: Various modes of inheritance.

Submission:

Labcorp Genetics (formerly Invitae), Labcorp
Classification: Pathogenic for Long QT syndrome. Last evaluated: 2022-02-09. Review status: criteria provided, single submitter. Criteria: Invitae Variant Classification Sherloc (09022015). Collection method: clinical testing. Allele origin: germline.
Comment: For these reasons, this variant has been classified as Pathogenic. This variant has not been reported in the literature in individuals affected with KCNH2-related conditions. This variant is not present in population databases (gnomAD no frequency). This sequence change creates a premature translational stop signal (p.Ala527Glyfs*38) in the KCNH2 gene. It is expected to result in an absent or disrupted protein product. Loss-of-function variants in KCNH2 are known to be pathogenic (PMID: 10973849, 19862833).

Literature cited by the submitters: PubMed 10973849; PubMed 19862833.

NM_000238.4(KCNH2):c.1580del (p.Ala527fs)

Gene: KCNH2 (potassium voltage-gated channel subfamily H member 2; minus strand). Cytogenetic location: 7q36.1.
Variant type: Deletion.
Coding change: c.1580del on transcript NM_000238.4 (MANE Select); coding-DNA position 1580, one base deleted (C; older notation c.1580delC).
Protein change: p.Ala527fs; shifts the reading frame from alanine 527.
Molecular consequence: frameshift variant.
Genome position (GRCh38, 1-based): chr7:150,951,813, G deleted on the plus strand (C on the coding strand, the reverse complement: KCNH2 is on the minus strand). VCF-style (leftmost placement, unchanged base first): chr7-150951812-CG-C. GRCh37 (hg19) VCF-style: chr7-150648900-CG-C.
Other names: c.560del, p.Ala187fs (NM_001204798.2, NM_172057.3); c.1292delC, p.Ala431Glyfs (NM_001406753.1, NM_001406756.1); c.1403delC, p.Ala468Glyfs (NM_001406755.1); c.1280delC, p.Ala427Glyfs (NM_001406757.1); c.1580delC, p.Ala527Glyfs (NM_172056.3); short protein forms A527fs, A187fs.
Identifiers: ClinVar variation 2095758 (VCV002095758.4), dbSNP rs2486040318, ClinGen allele CA2580077805.